The following is an entry in ClinVar:

NM_020937.4(FANCM):c.2299G>A (p.Gly767Arg)

Gene: FANCM (FA complementation group M; plus strand). Cytogenetic location: 14q21.2.
Variant type: single nucleotide variant.
Coding change: c.2299G>A on transcript NM_020937.4 (MANE Select); coding-DNA position 2299, G replaced by A.
Protein change: p.Gly767Arg; replaces glycine 767 with arginine.
Molecular consequence: missense variant.
Genome position (GRCh38, 1-based): chr14:45,173,193, G>A. VCF-style: chr14-45173193-G-A. GRCh37 (hg19) VCF-style: chr14-45642396-G-A.
Other names: c.2221G>A, p.Gly741Arg (NM_001308133.2); short protein forms G767R, G741R.
Identifiers: ClinVar variation 5021531 (VCV005021531.1).
Genomic context (GRCh38, chr14:45,173,193, plus strand): 5'-CATCAAGTTGATCACTCAGATCGATGCCGCCATTTTATAGGCCTTATGCAAATGATAGAG[G>A]GAATGAGACACGAAGAGGTGGGGTTTTATTGTAACTTTCTCTTGCTGGTATGATAGTAAA-3'
Protein context (NP_065988.1, residues 757-777): HFIGLMQMIE[Gly767Arg]MRHEEGECSY

ClinVar aggregate classification (germline): Uncertain significance (1 of 4 stars; one submission).

Conditions:
Inborn genetic diseases. Identifiers: MedGen C0950123, MeSH D030342.

Submission:

Ambry Genetics
Classification: Uncertain significance for Inborn genetic diseases. Last evaluated: 2026-08-31. Review status: criteria provided, single submitter. Criteria: Ambry Variant Classification Scheme 2023. Collection method: clinical testing. Allele origin: germline.
Comment: The p.G767R variant (also known as c.2299G>A), located in coding exon 13 of the FANCM gene, results from a G to A substitution at nucleotide position 2299. The glycine at codon 767 is replaced by arginine, an amino acid with dissimilar properties. This amino acid position is conserved. In addition, this alteration is predicted to be tolerated by in silico analysis. Based on the available evidence, the clinical significance of this variant remains unclear.